The following is an entry in ClinVar:

NM_001365951.3(KIF1B):c.3806C>T (p.Pro1269Leu)

Gene: KIF1B (kinesin family member 1B; plus strand). Cytogenetic location: 1p36.22.
Variant type: single nucleotide variant.
Coding change: c.3806C>T on transcript NM_001365951.3 (MANE Select); coding-DNA position 3806, C replaced by T.
Protein change: p.Pro1269Leu; replaces proline 1269 with leucine.
Molecular consequence: missense variant.
Genome position (GRCh38, 1-based): chr1:10,347,769, C>T. VCF-style: chr1-10347769-C-T. GRCh37 (hg19) VCF-style: chr1-10407827-C-T.
Other names: c.3806C>T, p.Pro1269Leu (NM_001365952.1); c.3668C>T, p.Pro1223Leu (NM_015074.3); short protein forms P1269L, P1223L.
Identifiers: ClinVar variation 4092383 (VCV004092383.1).
Genomic context (GRCh38, chr1:10,347,769, plus strand): 5'-CCTTGCAGATGAAGTAGCACTTAGTTTTTTCTTTTGCGTTTCTATTTTTTAGGTATATCC[C>T]AGCTGTGGTTGACCACACAGCAGGCTTGCCTTGCCAGGGGACATTTTTGCTTCATCAGGT-3'
Protein context (NP_001352880.1, residues 1259-1279): SELEPTGEYI[Pro1269Leu]AVVDHTAGLP

ClinVar aggregate classification (germline): Uncertain significance (1 of 4 stars; one submission).

Submission:

Ambry Genetics
Classification: Uncertain significance. Last evaluated: 2025-08-22. Review status: criteria provided, single submitter. Criteria: Ambry Variant Classification Scheme 2023. Collection method: clinical testing. Allele origin: germline.
Comment: The p.P1223L variant (also known as c.3668C>T), located in coding exon 33 of the KIF1B gene, results from a C to T substitution at nucleotide position 3668. The proline at codon 1223 is replaced by leucine, an amino acid with similar properties. This amino acid position is conserved. In addition, this alteration is predicted to be deleterious by in silico analysis. Based on the available evidence, the clinical significance of this variant remains unclear.